The following is an entry in ClinVar:

NM_006282.5(STK4):c.370G>A (p.Asp124Asn)

Gene: STK4 (serine/threonine kinase 4; plus strand). Cytogenetic location: 20q13.12.
Variant type: single nucleotide variant.
Coding change: c.370G>A on transcript NM_006282.5 (MANE Select); coding-DNA position 370, G replaced by A.
Protein change: p.Asp124Asn; replaces aspartic acid 124 with asparagine.
Molecular consequence: missense variant.
Genome position (GRCh38, 1-based): chr20:44,987,141, G>A. VCF-style: chr20-44987141-G-A. GRCh37 (hg19) VCF-style: chr20-43615782-G-A.
Other names: c.370G>A (NM_006282.2); c.370G>A, p.Asp124Asn (NM_001352385.2); short protein forms D124N.
Identifiers: ClinVar variation 1018275 (VCV001018275.11), dbSNP rs759942089, ClinGen allele CA9873792.

ClinVar aggregate classification (germline): Uncertain significance. Review status: criteria provided, multiple submitters, no conflicts (2 of 4 stars). 2 submissions from 2 submitters: Uncertain significance (2). Last evaluated 2024-02-20.

Conditions:
Inborn genetic diseases. Identifiers: MedGen C0950123, MeSH D030342.
Combined immunodeficiency due to STK4 deficiency (IMD110). Also called: STK4 DEFICIENCY; MST1 DEFICIENCY; T-cell immunodeficiency, recurrent infections, and autoimmunity with or without cardiac malformations. Identifiers: Orphanet 314689, MedGen C3553943, MONDO:0013934, OMIM 614868.

Allele frequency attached by ClinVar (database versions not stated): gnomAD 0.00001; gnomAD exomes 0.00001; TOPMed 0.00001; ExAC 0.00002.
gnomAD v4.1: 3 of 1,585,396 alleles (0.00019%); highest among the groups gnomAD compares: East Asian, 0.0068%; no homozygotes.

Submissions (2):

Labcorp Genetics (formerly Invitae), Labcorp
Classification: Uncertain significance for Combined immunodeficiency due to STK4 deficiency. Last evaluated: 2024-02-20. Review status: criteria provided, single submitter. Criteria: Invitae Variant Classification Sherloc (09022015). Collection method: clinical testing. Allele origin: germline.
Comment: This sequence change replaces aspartic acid, which is acidic and polar, with asparagine, which is neutral and polar, at codon 124 of the STK4 protein (p.Asp124Asn). This variant is present in population databases (rs759942089, gnomAD 0.02%). This variant has not been reported in the literature in individuals affected with STK4-related conditions. ClinVar contains an entry for this variant (Variation ID: 1018275). Advanced modeling of protein sequence and biophysical properties (such as structural, functional, and spatial information, amino acid conservation, physicochemical variation, residue mobility, and thermodynamic stability) performed at Invitae indicates that this missense variant is not expected to disrupt STK4 protein function with a negative predictive value of 95%. In summary, the available evidence is currently insufficient to determine the role of this variant in disease. Therefore, it has been classified as a Variant of Uncertain Significance.

Ambry Genetics
Classification: Uncertain significance for Inborn genetic diseases. Last evaluated: 2023-08-08. Review status: criteria provided, single submitter. Criteria: Ambry Variant Classification Scheme 2023. Collection method: clinical testing. Allele origin: germline.